The following is an entry in ClinVar:

ClinVar aggregate classification (germline): Uncertain significance (1 of 4 stars; one submission).

Conditions:
Fanconi anemia complementation group J. Also called: BRIP1-Related Fanconi Anemia. Identifiers: Orphanet 84, MedGen C1836860, MONDO:0012187, OMIM 609054.
Familial cancer of breast. Also called: BREAST CANCER, FAMILIAL; Hereditary breast cancer; hereditary breast carcinoma. Identifiers: Orphanet 227535, MedGen C0346153, MONDO:0016419, OMIM 114480. Disease mechanism: loss of function.

Submission:

Labcorp Genetics (formerly Invitae), Labcorp
Classification: Uncertain significance for Familial cancer of breast; Fanconi anemia complementation group J. Last evaluated: 2022-12-07. Review status: criteria provided, single submitter. Criteria: Invitae Variant Classification Sherloc (09022015). Collection method: clinical testing. Allele origin: germline.
Comment: This variant is not present in population databases (gnomAD no frequency). This sequence change replaces serine, which is neutral and polar, with phenylalanine, which is neutral and non-polar, at codon 964 of the BRIP1 protein (p.Ser964Phe). This variant has not been reported in the literature in individuals affected with BRIP1-related conditions. Algorithms developed to predict the effect of missense changes on protein structure and function are either unavailable or do not agree on the potential impact of this missense change (SIFT: "Deleterious"; PolyPhen-2: "Benign"; Align-GVGD: "Class C0"). In summary, the available evidence is currently insufficient to determine the role of this variant in disease. Therefore, it has been classified as a Variant of Uncertain Significance.

NM_032043.3(BRIP1):c.2891C>T (p.Ser964Phe)

Gene: BRIP1 (BRCA1 interacting DNA helicase 1; minus strand). Cytogenetic location: 17q23.2.
Variant type: single nucleotide variant.
Coding change: c.2891C>T on transcript NM_032043.3 (MANE Select); coding-DNA position 2891, C replaced by T.
Protein change: p.Ser964Phe; replaces serine 964 with phenylalanine.
Molecular consequence: missense variant.
Genome position (GRCh38, 1-based): chr17:61,685,850, G>A on the plus strand (C>T on the coding strand, the complement: BRIP1 is on the minus strand). VCF-style: chr17-61685850-G-A. GRCh37 (hg19) VCF-style: chr17-59763211-G-A.
Other names: short protein forms S964F.
Identifiers: ClinVar variation 2942136 (VCV002942136.3), dbSNP rs2144107858, ClinGen allele CA400481153.